The following is an entry in ClinVar:

ClinVar aggregate classification (germline): Uncertain significance (1 of 4 stars; one submission).

Allele frequency attached by ClinVar (database versions not stated): TOPMed 0.00001; ExAC 0.00002; gnomAD exomes 0.00002.
gnomAD v4.1: 10 of 1,613,824 alleles (0.00062%); highest among the groups gnomAD compares: Non-Finnish European, 0.00085%; no homozygotes.

Submission:

Labcorp Genetics (formerly Invitae), Labcorp
Classification: Uncertain significance. Last evaluated: 2022-01-17. Review status: criteria provided, single submitter. Criteria: Invitae Variant Classification Sherloc (09022015). Collection method: clinical testing. Allele origin: germline.
Comment: This variant has not been reported in the literature in individuals affected with SLC24A1-related conditions. This variant is present in population databases (rs770203499, gnomAD 0.004%). Algorithms developed to predict the effect of missense changes on protein structure and function are either unavailable or do not agree on the potential impact of this missense change (SIFT: "Deleterious"; PolyPhen-2: "Possibly Damaging"; Align-GVGD: "Class C0"). Algorithms developed to predict the effect of sequence changes on RNA splicing suggest that this variant may create or strengthen a splice site. In summary, the available evidence is currently insufficient to determine the role of this variant in disease. Therefore, it has been classified as a Variant of Uncertain Significance. This sequence change replaces leucine, which is neutral and non-polar, with valine, which is neutral and non-polar, at codon 29 of the SLC24A1 protein (p.Leu29Val).

NM_004727.3(SLC24A1):c.85C>G (p.Leu29Val)

Gene: SLC24A1 (solute carrier family 24 member 1; plus strand). Cytogenetic location: 15q22.31.
Variant type: single nucleotide variant.
Coding change: c.85C>G on transcript NM_004727.3 (MANE Select); coding-DNA position 85, C replaced by G.
Protein change: p.Leu29Val; replaces leucine 29 with valine.
Molecular consequence: missense variant.
Genome position (GRCh38, 1-based): chr15:65,624,165, C>G. VCF-style: chr15-65624165-C-G. GRCh37 (hg19) VCF-style: chr15-65916503-C-G.
Other names: c.85C>G, p.Leu29Val (NM_001301031.1, NM_001301032.1, NM_001301033.2 and 1 more transcripts); short protein forms L29V.
Identifiers: ClinVar variation 1905001 (VCV001905001.5), dbSNP rs770203499, ClinGen allele CA7619694.